The following is an entry in ClinVar:

ClinVar aggregate classification (germline): Likely pathogenic. Review status: criteria provided, multiple submitters, no conflicts (2 of 4 stars). 3 submissions from 3 submitters: Likely pathogenic (3). Last evaluated 2023-09-22.

Conditions:
Hereditary cancer-predisposing syndrome. Also called: Hereditary neoplastic syndrome; Neoplastic Syndromes, Hereditary; Tumor predisposition; Hereditary Cancer Syndrome. Identifiers: Orphanet 140162, MedGen C0027672, MeSH D009386, MONDO:0015356.
Lynch syndrome 4 (LYNCH4). Also called: Hereditary non-polyposis colorectal cancer, type 4; Colorectal cancer, hereditary nonpolyposis, type 4. Identifiers: Orphanet 144, MedGen C1838333, MONDO:0013699, OMIM 614337. Disease mechanism: loss of function.

Submissions (3):

Myriad Genetics, Inc.
Classification: Likely pathogenic for Lynch syndrome 4. Last evaluated: 2023-09-22. Review status: criteria provided, single submitter. Criteria: Myriad Autosomal Dominant, Autosomal Recessive and X-Linked Classification Criteria (2023). Collection method: clinical testing. Allele origin: unknown.
Comment: This variant is considered likely pathogenic. This variant occurs within a consensus splice junction and is predicted to result in abnormal mRNA splicing of either an out-of-frame exon or an in-frame exon necessary for protein stability and/or normal function.

Ambry Genetics
Classification: Likely pathogenic for Hereditary cancer-predisposing syndrome. Last evaluated: 2021-08-26. Review status: criteria provided, single submitter. Criteria: Ambry Variant Classification Scheme 2023. Collection method: clinical testing. Allele origin: germline.
Comment: The c.2175-1G>A intronic variant results from a G to A substitution one nucleotide upstream from coding exon 13 of the PMS2 gene. This alteration has been identified 1/302 individuals with pancreatic cancer (Chaffee KG et al. Genet Med, 2018 01;20:119-127). This variant is considered to be rare based on population cohorts in the Genome Aggregation Database (gnomAD). This nucleotide position is highly conserved in available vertebrate species. In silico splice site analysis predicts that this alteration will weaken the native splice acceptor site and will result in the creation or strengthening of a novel splice acceptor site. In addition to the clinical data presented in the literature, alterations that disrupt the canonical splice site are expected to cause aberrant splicing, resulting in an abnormal protein or a transcript that is subject to nonsense-mediated mRNA decay. As such, this alteration is classified as likely pathogenic.

Juno Genomics, Hangzhou Juno Genomics, Inc
Classification: Likely pathogenic for Lynch syndrome 4. Review status: criteria provided, single submitter. Criteria: ACMG Guidelines, 2015. Collection method: clinical testing. Allele origin: germline.
Comment: Absent from controls (or at extremely low frequency if recessive) in Genome Aggregation Database.;Null variant in a gene where loss of function (LOF) is a known mechanism of disease.

Literature cited by the submitters: PubMed 28726808 (cited by Ambry Genetics).

NM_000535.7(PMS2):c.2175-1G>A

Gene: PMS2 (PMS1 homolog 2, mismatch repair system component; minus strand). Cytogenetic location: 7p22.1.
Variant type: single nucleotide variant.
Coding change: c.2175-1G>A on transcript NM_000535.7 (MANE Select); the canonical splice acceptor site of the intron before coding-DNA position 2175, G replaced by A.
Molecular consequence: splice acceptor variant. On other transcripts: intron variant (2).
Genome position (GRCh38, 1-based): chr7:5,978,697, C>T on the plus strand (G>A on the coding strand, the complement: PMS2 is on the minus strand). VCF-style: chr7-5978697-C-T. GRCh37 (hg19) VCF-style: chr7-6018328-C-T.
Other names: c.1857-1G>A (NM_001322008.2, NM_001406883.1, NM_001322007.2 and 1 more transcripts); c.1866-1G>A (NM_001406881.1, NM_001406879.1, NM_001322015.2 and 5 more transcripts); c.1770-1G>A (NM_001406895.1, NM_001322004.2, NM_001406889.1 and 14 more transcripts); c.1404-1G>A (NM_001406911.1); c.1614-1G>A (NM_001322010.2, NM_001406906.1, NM_001406907.1); c.1701-1G>A (NM_001406902.1, NM_001406901.1); c.1662-1G>A (NM_001406904.1, NM_001406905.1); c.1602-1G>A (NM_001322013.2, NM_001406908.1, NM_001406909.1); and 16 more.
Identifiers: ClinVar variation 1787166 (VCV001787166.5), dbSNP rs1562605623, ClinGen allele CA366736997.